The following continues an entry in ClinVar:

NM_004329.3(BMPR1A):c.1243G>A (p.Glu415Lys)

Gene: BMPR1A. ClinVar aggregate classification (germline): Conflicting classifications of pathogenicity. Uncertain significance (1); Benign (6); Likely benign (11).

Submissions 22 to 25 of 25:

CSER _CC_NCGL, University of Washington
Classification: Likely benign for Gastrointestinal polyposis. Last evaluated: 2014-06-01. Review status: no assertion criteria provided. Collection method: research. Allele origin: germline. Inheritance: Autosomal dominant inheritance. Study: ESP 6500 variant annotation. Not counted in ClinVar's aggregate classification.
Comment: Variants classified for the Actionable exomic incidental findings in 6503 participants: challenges of variant classification manuscript

ITMI
No classification provided. Condition: AllHighlyPenetrant. Last evaluated: 2013-09-19. Review status: no classification provided. Collection method: reference population. Allele origin: germline. Not counted in ClinVar's aggregate classification.
Comment: Please see associated publication for description of ethnicities

Biesecker Lab/Clinical Genomics Section, National Institutes of Health
Classification: Uncertain significance. Last evaluated: 2012-07-13. Review status: no assertion criteria provided. Collection method: research. Allele origin: germline. Affected: no. Observed: 4 variant alleles. Study: ClinSeq. Not counted in ClinVar's aggregate classification.
ClinVar note: Converted during submission from variant of unknown significance to Uncertain significance.

Department of Pathology and Laboratory Medicine, Sinai Health System
Classification: Uncertain significance for Malignant tumor of breast. Review status: no assertion criteria provided. Collection method: clinical testing. Allele origin: unknown. Affected: yes. Study: The Canadian Open Genetics Repository (COGR). Not counted in ClinVar's aggregate classification.
Comment: BMPR1A, EXON11, c.1243G>A, p.Glu415Lys, Heterozygous, Uncertain SignificancernThe BMPR1A p.Glu415Lys variant was identified in 15 of 11178 proband chromosomes (frequency: 0.001) from individuals or families with breast cancer, Lynch Syndrome, or undefined moderate load gastrointestinal polyposis and was present in 2 of 1362 control chromosomes (frequency: 0.002) from healthy individuals (Balmana 2016, Ngeow 2013, Tung 2015, Yurgelun 2015, Bodian 2014). The variant was also identified in dbSNP (ID: rs140592056) as "With other allele", ClinVar (classified as benign by Invitae and Integrated Genetics/Laboratory Corporation of America; as likely benign by GeneDx, Ambry Genetics, PreventionGenetics, and six other submitters; and as uncertain significance by two submitters), and LOVD 3.0 (1x as VUS). The variant was identified in control databases in 221 of 277220 chromosomes (1 homozygous) at a frequency of 0.0008 (Genome Aggregation Database Feb 27, 2017). The variant was observed in the following populations: Ashkenazi Jewish in 161 of 10152 chromosomes (freq: 0.02, increasing the likelihood this could be a low frequency benign variant), African in 1 of 24028 chromosomes (freq: 0.00004), Other in 7 of 6466 chromosomes (freq: 0.001), Latino in 10 of 34420 chromosomes (freq: 0.0003), European in 39 of 126714 chromosomes (freq: 0.0003), East Asian in 1 of 18870 chromosomes (freq: 0.00005), and South Asian in 2 of 30782 chromosomes (freq: 0.00006); it was not observed in the Finnish population. The p.Glu415 residue is conserved in mammals and computational analyses (PolyPhen-2, SIFT, AlignGVGD, BLOSUM, MutationTaster) provide inconsistent predictions regarding the impact to the protein; this information is not very predictive of pathogenicity. The variant occurs outside of the splicing consensus sequence and in silico or computational prediction software programs (SpliceSiteFinder, MaxEntScan, NNSPLICE, GeneSplicer) do not predict a difference in splicing. In summary, based on the above information, the clinical significance of this variant cannot be determined with certainty at this time. This variant is classified as a variant of uncertain significance.rnAssessment Date: 2019/07/23rnReferences (PMIDs): 27621404, 23399955, 25186627, 25980754, 24728327

Literature cited by the submitters: PubMed 23399955 (cited by 3 submitters); PubMed 24448499 (cited by Women's Health and Genetics/Laboratory Corporation of America, LabCorp and Counsyl); PubMed 25980754 (cited by Women's Health and Genetics/Laboratory Corporation of America, LabCorp and Counsyl); PubMed 24728327 (cited by 3 submitters); PubMed 26436109 (cited by Counsyl); PubMed 25637381 (cited by Counsyl); PubMed 27621404 (cited by Counsyl); PubMed 27153395 (cited by Counsyl); PubMed 25186627 (cited by Counsyl).